The following is an entry in ClinVar:

ClinVar aggregate classification (germline): Conflicting classifications of pathogenicity. Review status: criteria provided, conflicting classifications (1 of 4 stars). 3 submissions from 3 submitters: Uncertain significance (1); Likely benign (2). Last evaluated 2026-01-19.

Conditions:
Progressive sclerosing poliodystrophy (MTDPS4A). Also called: Alpers-Huttenlocher Syndrome (AHS); Alpers Syndrome; ALPERS PROGRESSIVE INFANTILE POLIODYSTROPHY; Mitochondrial DNA depletion syndrome 4A (Alpers type); ALPERS DIFFUSE DEGENERATION OF CEREBRAL GRAY MATTER WITH HEPATIC CIRRHOSIS; Alpers-Huttenlocher Syndrome. Identifiers: Orphanet 726, MedGen C0205710, MONDO:0008758, OMIM 203700.

Allele frequency attached by ClinVar (database versions not stated): ExAC 0.00001; gnomAD 0.00001; gnomAD exomes 0.00001 and 0.00003; TOPMed 0.00002; ESP Exome Variant Server 0.00008.
gnomAD v4.1: 51 of 1,614,028 alleles (0.0032%); highest among the groups gnomAD compares: Non-Finnish European, 0.0042%; no homozygotes.

Submissions (3):

Labcorp Genetics (formerly Invitae), Labcorp
Classification: Likely benign for Progressive sclerosing poliodystrophy. Last evaluated: 2026-01-19. Review status: criteria provided, single submitter. Criteria: Invitae Variant Classification Sherloc (09022015). Collection method: clinical testing. Allele origin: germline.

Mayo Clinic Laboratories, Mayo Clinic
Classification: Likely benign. Last evaluated: 2025-08-22. Review status: criteria provided, single submitter. Criteria: ACMG Guidelines, 2015. Collection method: clinical testing. Allele origin: germline. Observed: 1 variant allele.
Comment: BP4, BP7

Eurofins Ntd Llc (ga)
Classification: Uncertain significance. Last evaluated: 2018-06-05. Review status: criteria provided, single submitter. Criteria: EGL ClinVar v180209 classification definitions. Collection method: clinical testing. Allele origin: germline. Observed: 1 variant allele, 1 heterozygote.

NM_002693.3(POLG):c.3024G>A (p.Leu1008=)

Gene: POLG (DNA polymerase gamma, catalytic subunit; minus strand). Cytogenetic location: 15q26.1.
Variant type: single nucleotide variant.
Coding change: c.3024G>A on transcript NM_002693.3 (MANE Select); coding-DNA position 3024, G replaced by A.
Protein change: p.Leu1008=; no amino-acid change (leucine 1008 retained).
Molecular consequence: synonymous variant.
Genome position (GRCh38, 1-based): chr15:89,319,308, C>T on the plus strand (G>A on the coding strand, the complement: POLG is on the minus strand). VCF-style: chr15-89319308-C-T. GRCh37 (hg19) VCF-style: chr15-89862539-C-T.
Other names: p.Leu1008=; c.3024G>A, p.Leu1008= (NM_001126131.2).
Identifiers: ClinVar variation 597293 (VCV000597293.18), dbSNP rs139488968, ClinGen allele CA7724267.